The following is an entry in ClinVar:

ClinVar aggregate classification (germline): Uncertain significance (1 of 4 stars; one submission).

Conditions:
Noonan syndrome 8 (NS8). Identifiers: Orphanet 648, MedGen C3809233, MONDO:0014143, OMIM 615355.

Submission:

Labcorp Genetics (formerly Invitae), Labcorp
Classification: Uncertain significance for Noonan syndrome 8. Last evaluated: 2024-11-18. Review status: criteria provided, single submitter. Criteria: Invitae Variant Classification Sherloc (09022015). Collection method: clinical testing. Allele origin: germline.
Comment: This sequence change replaces glutamic acid, which is acidic and polar, with alanine, which is neutral and non-polar, at codon 113 of the RIT1 protein (p.Glu113Ala). This variant is not present in population databases (gnomAD no frequency). This variant has not been reported in the literature in individuals affected with RIT1-related conditions. Invitae Evidence Modeling of protein sequence and biophysical properties (such as structural, functional, and spatial information, amino acid conservation, physicochemical variation, residue mobility, and thermodynamic stability) indicates that this missense variant is not expected to disrupt RIT1 protein function with a negative predictive value of 95%. In summary, the available evidence is currently insufficient to determine the role of this variant in disease. Therefore, it has been classified as a Variant of Uncertain Significance.

NM_006912.6(RIT1):c.338A>C (p.Glu113Ala)

Gene: RIT1 (Ras like without CAAX 1; minus strand). Cytogenetic location: 1q22.
Variant type: single nucleotide variant.
Coding change: c.338A>C on transcript NM_006912.6 (MANE Select); coding-DNA position 338, A replaced by C.
Protein change: p.Glu113Ala; replaces glutamic acid 113 with alanine.
Molecular consequence: missense variant.
Genome position (GRCh38, 1-based): chr1:155,904,402, T>G on the plus strand (A>C on the coding strand, the complement: RIT1 is on the minus strand). VCF-style: chr1-155904402-T-G. GRCh37 (hg19) VCF-style: chr1-155874193-T-G.
Other names: c.230A>C, p.Glu77Ala (NM_001256820.2); c.389A>C, p.Glu130Ala (NM_001256821.2); short protein forms E113A, E130A, E77A.
Identifiers: ClinVar variation 3626408 (VCV003626408.2).